The following is an entry in ClinVar:

NM_001378457.1(DMXL2):c.7276G>A (p.Val2426Ile)

Gene: DMXL2 (Dmx like 2; minus strand). Cytogenetic location: 15q21.2.
Variant type: single nucleotide variant.
Coding change: c.7276G>A on transcript NM_001378457.1 (MANE Select); coding-DNA position 7276, G replaced by A.
Protein change: p.Val2426Ile; replaces valine 2426 with isoleucine.
Molecular consequence: missense variant. On other transcripts: non-coding transcript variant (2).
Genome position (GRCh38, 1-based): chr15:51,471,339, C>T on the plus strand (G>A on the coding strand, the complement: DMXL2 is on the minus strand). VCF-style: chr15-51471339-C-T. GRCh37 (hg19) VCF-style: chr15-51763536-C-T.
Other names: c.7276G>A, p.Val2426Ile (NM_001174116.3, NM_001378459.1, NM_001378461.1 and 1 more transcripts); c.5365G>A, p.Val1789Ile (NM_001174117.3); c.7273G>A, p.Val2425Ile (NM_001378458.1, NM_001378462.1, NM_015263.5); c.5254G>A, p.Val1752Ile (NM_001378460.1); c.7033G>A, p.Val2345Ile (NM_001378464.1); short protein forms V2425I, V2426I, V1752I, V1789I, V2345I.
Identifiers: ClinVar variation 2192372 (VCV002192372.4), dbSNP rs750677458, ClinGen allele CA7561371.

ClinVar aggregate classification (germline): Uncertain significance. Review status: criteria provided, multiple submitters, no conflicts (2 of 4 stars). 2 submissions from 2 submitters: Uncertain significance (2). Last evaluated 2024-10-24.

Conditions:
Nonsyndromic genetic hearing loss. Also called: Non-syndromic genetic deafness; Nonsyndromic hearing loss and deafness; Nonsyndromic genetic deafness. Identifiers: Orphanet 87884, MedGen C5680182, MONDO:0019497.

Allele frequency attached by ClinVar (database versions not stated): gnomAD exomes 0.00002; ExAC 0.00004.

Submissions (2):

Labcorp Genetics (formerly Invitae), Labcorp
Classification: Uncertain significance. Last evaluated: 2024-10-24. Review status: criteria provided, single submitter. Criteria: Invitae Variant Classification Sherloc (09022015). Collection method: clinical testing. Allele origin: germline.
Comment: This sequence change replaces valine, which is neutral and non-polar, with isoleucine, which is neutral and non-polar, at codon 2426 of the DMXL2 protein (p.Val2426Ile). This variant is present in population databases (rs750677458, gnomAD 0.006%). This variant has not been reported in the literature in individuals affected with DMXL2-related conditions. ClinVar contains an entry for this variant (Variation ID: 2192372). An algorithm developed to predict the effect of missense changes on protein structure and function (PolyPhen-2) suggests that this variant is likely to be disruptive. In summary, the available evidence is currently insufficient to determine the role of this variant in disease. Therefore, it has been classified as a Variant of Uncertain Significance.

Department of Pathology and Laboratory Medicine, Sinai Health System
Classification: Uncertain significance for nonsyndromic genetic hearing loss. Last evaluated: 2023-06-20. Review status: criteria provided, single submitter. Criteria: ACMG Guidelines, 2015. Collection method: research. Allele origin: germline.